The following is an entry in ClinVar:

ClinVar aggregate classification (germline): Uncertain significance (1 of 4 stars; one submission).

Allele frequency attached by ClinVar (database versions not stated): gnomAD exomes 0.00001; ExAC 0.00002; gnomAD 0.00002 and 0.00003; TOPMed 0.00003.
gnomAD v4.1: 7 of 1,613,974 alleles (0.00043%); highest among the groups gnomAD compares: African/African-American, 0.0093%; no homozygotes.

Submission:

Labcorp Genetics (formerly Invitae), Labcorp
Classification: Uncertain significance. Last evaluated: 2022-09-27. Review status: criteria provided, single submitter. Criteria: Invitae Variant Classification Sherloc (09022015). Collection method: clinical testing. Allele origin: germline.
Comment: In summary, the available evidence is currently insufficient to determine the role of this variant in disease. Therefore, it has been classified as a Variant of Uncertain Significance. Algorithms developed to predict the effect of missense changes on protein structure and function (SIFT, PolyPhen-2, Align-GVGD) all suggest that this variant is likely to be disruptive. ClinVar contains an entry for this variant (Variation ID: 1003475). This variant has not been reported in the literature in individuals affected with WHRN-related conditions. This variant is present in population databases (rs745376483, gnomAD 0.01%). This sequence change replaces glutamic acid, which is acidic and polar, with alanine, which is neutral and non-polar, at codon 178 of the WHRN protein (p.Glu178Ala).

NM_015404.4(WHRN):c.533A>C (p.Glu178Ala)

Gene: WHRN (whirlin; minus strand). Cytogenetic location: 9q32.
Variant type: single nucleotide variant.
Coding change: c.533A>C on transcript NM_015404.4 (MANE Select); coding-DNA position 533, A replaced by C.
Protein change: p.Glu178Ala; replaces glutamic acid 178 with alanine.
Molecular consequence: missense variant.
Genome position (GRCh38, 1-based): chr9:114,504,269, T>G on the plus strand (A>C on the coding strand, the complement: WHRN is on the minus strand). VCF-style: chr9-114504269-T-G. GRCh37 (hg19) VCF-style: chr9-117266549-T-G.
Other names: c.533A>C, p.Glu178Ala (NM_001173425.2); short protein forms E178A.
Identifiers: ClinVar variation 1003475 (VCV001003475.6), dbSNP rs745376483, ClinGen allele CA5206262.